The following is an entry in ClinVar:

ClinVar aggregate classification (germline): Likely pathogenic (1 of 4 stars; one submission).

Submission:

GeneDx
Classification: Likely pathogenic. Last evaluated: 2026-04-21. Review status: criteria provided, single submitter. Criteria: GeneDx Variant Classification Process June 2021. Collection method: clinical testing. Allele origin: germline.
Comment: Not observed at significant frequency in large population cohorts (gnomAD); In silico analysis suggests that this missense variant does not alter protein structure/function; This variant is associated with the following publications: (PMID: 36282706, 25212744, 34815418, 15263005, 26255772, 9585605, 33607653)

NM_130839.5(UBE3A):c.1105T>C (p.Ser369Pro)

Genes: SNHG14 (small nucleolar RNA host gene 14; plus strand), UBE3A (ubiquitin protein ligase E3A; minus strand). Cytogenetic location: 15q11.2.
Variant type: single nucleotide variant.
Coding change: c.1105T>C on transcript NM_130839.5 (MANE Select); coding-DNA position 1105, T replaced by C.
Protein change: p.Ser369Pro; replaces serine 369 with proline.
Molecular consequence: missense variant. On other transcripts: non-coding transcript variant (1), intron variant (2).
Genome position (GRCh38, 1-based): chr15:25,371,069, A>G on the plus strand (T>C on the coding strand, the complement: UBE3A is on the minus strand). VCF-style: chr15-25371069-A-G. GRCh37 (hg19) VCF-style: chr15-25616216-A-G.
Other names: c.1114T>C, p.Ser372Pro (NM_000462.5); c.1105T>C, p.Ser369Pro (NM_001354505.1, NM_001354538.2, NM_001354545.2); c.1045T>C, p.Ser349Pro (NM_001354506.2, NM_001354507.2, NM_001354508.2 and 17 more transcripts); c.928T>C, p.Ser310Pro (NM_001354546.2); c.301+4396T>C (NM_001354551.2); c.361+4396T>C (NM_001354550.2); short protein forms S310P, S349P, S369P, S372P.
Identifiers: ClinVar variation 5037423 (VCV005037423.1).
Genomic context (GRCh38, chr15:25,371,069, plus strand): 5'-GATTTGTGTCCACTTCCCCTCCCACTACATTTGCATAGTAAACCATTTTCAAGCACTTCG[A>G]AGCAGCAACAATGGCATCATCATCATTCACTAGATTTCGACTGTTAAATTCATTGCTTAT-3'
Protein context (NP_570854.1, residues 359-379): VNDDDAIVAA[Ser369Pro]KCLKMVYYAN